The following is an entry in ClinVar:

ClinVar aggregate classification (germline): Uncertain significance (1 of 4 stars; one submission).

Submission:

Ambry Genetics
Classification: Uncertain significance. Last evaluated: 2025-08-29. Review status: criteria provided, single submitter. Criteria: Ambry Variant Classification Scheme 2023. Collection method: clinical testing. Allele origin: germline.
Comment: The p.E300A variant (also known as c.899A>C), located in coding exon 4 of the GFI1 gene, results from an A to C substitution at nucleotide position 899. The glutamic acid at codon 300 is replaced by alanine, an amino acid with dissimilar properties. This amino acid position is conserved. In addition, this alteration is predicted to be tolerated by in silico analysis. Based on the available evidence, the clinical significance of this variant remains unclear.

NM_005263.5(GFI1):c.899A>C (p.Glu300Ala)

Gene: GFI1 (growth factor independent 1 transcriptional repressor; minus strand). Cytogenetic location: 1p22.1.
Variant type: single nucleotide variant.
Coding change: c.899A>C on transcript NM_005263.5 (MANE Select); coding-DNA position 899, A replaced by C.
Protein change: p.Glu300Ala; replaces glutamic acid 300 with alanine.
Molecular consequence: missense variant.
Genome position (GRCh38, 1-based): chr1:92,480,373, T>G on the plus strand (A>C on the coding strand, the complement: GFI1 is on the minus strand). VCF-style: chr1-92480373-T-G. GRCh37 (hg19) VCF-style: chr1-92945930-T-G.
Other names: c.899A>C, p.Glu300Ala (NM_001127215.3, NM_001127216.3); short protein forms E300A.
Identifiers: ClinVar variation 4263245 (VCV004263245.1).